The following is an entry in ClinVar:

ClinVar aggregate classification (germline): Conflicting classifications of pathogenicity. Review status: criteria provided, conflicting classifications (1 of 4 stars). 3 submissions from 3 submitters: Uncertain significance (1); Likely benign (2). Last evaluated 2025-10-09.

Conditions:
PKHD1-related disorder. Also called: PKHD1-related condition.
Autosomal recessive polycystic kidney disease (ARPKD). Also called: AR polycystic kidney disease. Identifiers: Orphanet 731, Orphanet 8378, MedGen C0085548, MeSH D017044, MONDO:0009889.

Allele frequency attached by ClinVar (database versions not stated): gnomAD exomes 0.00001; TOPMed 0.00001.
gnomAD v4.1: 16 of 1,597,652 alleles (0.001%); highest among the groups gnomAD compares: Middle Eastern, 0.033%; 1 homozygote.

Submissions (3):

PreventionGenetics, part of Exact Sciences
Classification: Likely benign for PKHD1-related condition. Last evaluated: 2025-10-09. Review status: criteria provided, single submitter. Criteria: ACMG Guidelines, 2015. Collection method: clinical testing. Allele origin: germline.
Comment: This variant is classified as likely benign based on ACMG/AMP sequence variant interpretation guidelines (Richards et al. 2015 PMID: 25741868, with internal and published modifications).

Labcorp Genetics (formerly Invitae), Labcorp
Classification: Likely benign for Autosomal recessive polycystic kidney disease. Last evaluated: 2024-02-21. Review status: criteria provided, single submitter. Criteria: Invitae Variant Classification Sherloc (09022015). Collection method: clinical testing. Allele origin: germline.

Illumina Laboratory Services, Illumina
Classification: Uncertain significance for Polycystic kidney disease 4. Last evaluated: 2018-01-12. Review status: criteria provided, single submitter. Criteria: ICSL Variant Classification Criteria 13 December 2019. Collection method: clinical testing. Allele origin: germline.

NM_138694.4(PKHD1):c.1693+10G>A

Gene: PKHD1 (PKHD1 ciliary IPT domain containing fibrocystin/polyductin; minus strand). Cytogenetic location: 6p12.2.
Variant type: single nucleotide variant.
Coding change: c.1693+10G>A on transcript NM_138694.4 (MANE Select); 10 bases into the intron after coding-DNA position 1693, G replaced by A.
Molecular consequence: intron variant.
Genome position (GRCh38, 1-based): chr6:52,056,688, C>T on the plus strand (G>A on the coding strand, the complement: PKHD1 is on the minus strand). VCF-style: chr6-52056688-C-T. GRCh37 (hg19) VCF-style: chr6-51921486-C-T.
Other names: c.1693+10G>A (NM_170724.3).
Identifiers: ClinVar variation 357449 (VCV000357449.14), dbSNP rs886061621, ClinGen allele CA10624397.
Genomic context (GRCh38, chr6:52,056,688, plus strand): 5'-TGTTCTCATTTTATAGAAAGAAAGAAGACCATGATGAAAAAGACAATCAGAATGAAGCCA[C>T]GGACAGCACCTCGTTCAAATCCAAGCCGGAGAAGGATGTTAGACCAAAGGGGTTCCAGTT-3'